The following is an entry in ClinVar:

ClinVar aggregate classification (germline): Uncertain significance. Review status: criteria provided, multiple submitters, no conflicts (2 of 4 stars). 2 submissions from 2 submitters: Uncertain significance (2). Last evaluated 2025-09-29.

gnomAD v4.1: 37 of 1,614,092 alleles (0.0023%); highest among the groups gnomAD compares: African/African-American, 0.04%; no homozygotes.

Submissions (2):

Ambry Genetics
Classification: Uncertain significance. Last evaluated: 2025-09-29. Review status: criteria provided, single submitter. Criteria: Ambry Variant Classification Scheme 2023. Collection method: clinical testing. Allele origin: germline.

GeneDx
Classification: Uncertain significance. Last evaluated: 2025-07-22. Review status: criteria provided, single submitter. Criteria: GeneDx Variant Classification Process June 2021. Collection method: clinical testing. Allele origin: germline. Affected: yes.
Comment: In silico analysis suggests that this missense variant does not alter protein structure/function; Has not been previously published as pathogenic or benign to our knowledge

NM_015634.4(KIFBP):c.728C>G (p.Ala243Gly)

Gene: KIFBP (kinesin family binding protein; plus strand). Cytogenetic location: 10q22.1.
Variant type: single nucleotide variant.
Coding change: c.728C>G on transcript NM_015634.4 (MANE Select); coding-DNA position 728, C replaced by G.
Protein change: p.Ala243Gly; replaces alanine 243 with glycine.
Molecular consequence: missense variant.
Genome position (GRCh38, 1-based): chr10:69,005,854, C>G. VCF-style: chr10-69005854-C-G. GRCh37 (hg19) VCF-style: chr10-70765610-C-G.
Other names: short protein forms A243G.
Identifiers: ClinVar variation 4544020 (VCV004544020.2).